The following is an entry in ClinVar:

NM_000020.3(ACVRL1):c.474del (p.Glu159fs)

Gene: ACVRL1 (activin A receptor like type 1; plus strand). Cytogenetic location: 12q13.13.
Variant type: Deletion.
Coding change: c.474del on transcript NM_000020.3 (MANE Select); coding-DNA position 474, one base deleted (A; older notation c.474delA).
Protein change: p.Glu159fs; shifts the reading frame from glutamic acid 159.
Molecular consequence: frameshift variant. On other transcripts: intron variant (6).
Genome position (GRCh38, 1-based): chr12:51,913,719, A deleted. VCF-style (leftmost placement, unchanged base first): chr12-51913718-GA-G. GRCh37 (hg19) VCF-style: chr12-52307502-GA-G.
Other names: c.313+369del (NM_001406493.1, NM_001406491.1, NM_001406490.1 and 2 more transcripts); c.474del, p.Glu159fs (NM_001077401.2, NM_001406487.1, NM_001406488.1 and 1 more transcripts); c.62-720del (NM_001406495.1); short protein forms E159fs.
Identifiers: ClinVar variation 2587090 (VCV002587090.2), dbSNP rs2540160873, ClinGen allele CA2582341784.

ClinVar aggregate classification (germline): Pathogenic (1 of 4 stars; one submission).

Conditions:
Cardiovascular phenotype. Identifiers: MedGen CN230736.

Submission:

Ambry Genetics
Classification: Pathogenic for Cardiovascular phenotype. Last evaluated: 2023-07-19. Review status: criteria provided, single submitter. Criteria: Ambry Variant Classification Scheme 2023. Collection method: clinical testing. Allele origin: germline.
Comment: The c.474delA pathogenic mutation, located in coding exon 3 of the ACVRL1 gene, results from a deletion of one nucleotide at nucleotide position 474, causing a translational frameshift with a predicted alternate stop codon (p.E159Sfs*6). This variant is considered to be rare based on population cohorts in the Genome Aggregation Database (gnomAD). This alteration is expected to result in loss of function by premature protein truncation or nonsense-mediated mRNA decay. As such, this alteration is interpreted as a disease-causing mutation.